The following is an entry in ClinVar:

NM_001079843.3(CASZ1):c.1194A>T (p.Ala398=)

Gene: CASZ1 (castor zinc finger 1; minus strand). Cytogenetic location: 1p36.22.
Variant type: single nucleotide variant.
Coding change: c.1194A>T on transcript NM_001079843.3 (MANE Select); coding-DNA position 1194, A replaced by T.
Protein change: p.Ala398=; no amino-acid change (alanine 398 retained).
Molecular consequence: synonymous variant.
Genome position (GRCh38, 1-based): chr1:10,659,848, T>A on the plus strand (A>T on the coding strand, the complement: CASZ1 is on the minus strand). VCF-style: chr1-10659848-T-A. GRCh37 (hg19) VCF-style: chr1-10719905-T-A.
Other names: c.1194A>T, p.Ala398= (NM_017766.5).
Identifiers: ClinVar variation 1606326 (VCV001606326.16), dbSNP rs184530993, ClinGen allele CA585209.

ClinVar aggregate classification (germline): Benign/Likely benign. Review status: criteria provided, multiple submitters, no conflicts (2 of 4 stars). 2 submissions from 2 submitters: Benign (1); Likely benign (1). Last evaluated 2026-07-01.

Allele frequency attached by ClinVar (database versions not stated): ESP Exome Variant Server 0.00015; gnomAD 0.00037 and 0.00042; gnomAD exomes 0.00055 and 0.00278; 1000 Genomes Project 0.00080; TOPMed 0.00121; 1000 Genomes Project 30x 0.00125; ExAC 0.00221.
gnomAD v4.1: 853 of 1,610,878 alleles (0.053%); highest among the groups gnomAD compares: Admixed American, 1.4%; 11 homozygotes.

Submissions (3):

CeGaT Center for Human Genetics Tuebingen
Classification: Likely benign. Last evaluated: 2026-07-01. Review status: criteria provided, single submitter. Criteria: CeGaT Center For Human Genetics Tuebingen Variant Classification Criteria Version 2. Collection method: clinical testing. Allele origin: germline. Affected: yes. Observed: 4 variant alleles.
Comment: CASZ1: BP4, BP7, BS1

Labcorp Genetics (formerly Invitae), Labcorp
Classification: Benign. Last evaluated: 2026-01-21. Review status: criteria provided, single submitter. Criteria: Invitae Variant Classification Sherloc (09022015). Collection method: clinical testing. Allele origin: germline.

Dr. Peter K. Rogan Lab, Western University
No classification provided (evidence only). Condition: Lung cancer. Review status: no classification provided. Collection method: in vitro. Allele origin: not applicable. Functional consequence: retained intron. Not counted in ClinVar's aggregate classification.